The following is an entry in ClinVar:

ClinVar aggregate classification (germline): Conflicting classifications of pathogenicity. Review status: criteria provided, conflicting classifications (1 of 4 stars). 3 submissions from 3 submitters: Likely pathogenic (1); Uncertain significance (2). Last evaluated 2024-07-08.

Conditions:
KCNH1-related disorder. Also called: KCNH1-related disorders; KCNH1-related condition.

Submissions (3):

GeneDx
Classification: Uncertain significance. Last evaluated: 2024-07-08. Review status: criteria provided, single submitter. Criteria: GeneDx Variant Classification Process June 2021. Collection method: clinical testing. Allele origin: germline. Affected: yes.
Comment: Not observed at significant frequency in large population cohorts (gnomAD); In silico analysis supports that this missense variant has a deleterious effect on protein structure/function; Has not been previously published as pathogenic or benign to our knowledge

Labcorp Genetics (formerly Invitae), Labcorp
Classification: Uncertain significance. Last evaluated: 2024-05-12. Review status: criteria provided, single submitter. Criteria: Invitae Variant Classification Sherloc (09022015). Collection method: clinical testing. Allele origin: germline.
Comment: This sequence change replaces arginine, which is basic and polar, with tryptophan, which is neutral and slightly polar, at codon 520 of the KCNH1 protein (p.Arg520Trp). This variant is not present in population databases (gnomAD no frequency). This variant has not been reported in the literature in individuals affected with KCNH1-related conditions. This missense change has been observed in at least one individual who was not affected with KCNH1-related conditions (Invitae). ClinVar contains an entry for this variant (Variation ID: 2185735). Advanced modeling of protein sequence and biophysical properties (such as structural, functional, and spatial information, amino acid conservation, physicochemical variation, residue mobility, and thermodynamic stability) has been performed at Invitae for this missense variant, however the output from this modeling did not meet the statistical confidence thresholds required to predict the impact of this variant on KCNH1 protein function. In summary, the available evidence is currently insufficient to determine the role of this variant in disease. Therefore, it has been classified as a Variant of Uncertain Significance.

Blueprint Genetics
Classification: Likely pathogenic for KCNH1-related disorders. Last evaluated: 2021-08-09. Review status: criteria provided, single submitter. Criteria: ACMG Guidelines, 2015. Collection method: clinical testing. Allele origin: germline. Affected: yes. Observed: 1 variant allele.

NM_172362.3(KCNH1):c.1558C>T (p.Arg520Trp)

Gene: KCNH1 (potassium voltage-gated channel subfamily H member 1; minus strand). Cytogenetic location: 1q32.2.
Variant type: single nucleotide variant.
Coding change: c.1558C>T on transcript NM_172362.3 (MANE Select); coding-DNA position 1558, C replaced by T.
Protein change: p.Arg520Trp; replaces arginine 520 with tryptophan.
Molecular consequence: missense variant.
Genome position (GRCh38, 1-based): chr1:210,804,071, G>A on the plus strand (C>T on the coding strand, the complement: KCNH1 is on the minus strand). VCF-style: chr1-210804071-G-A. GRCh37 (hg19) VCF-style: chr1-210977413-G-A.
Other names: c.1477C>T, p.Arg493Trp (NM_002238.4); c.1558C>T (NM_172362.2); short protein forms R520W, R493W.
Identifiers: ClinVar variation 2185735 (VCV002185735.6), dbSNP rs2526826492, ClinGen allele CA344874392.